The following is an entry in ClinVar:

NM_004100.5(EYA4):c.682A>G (p.Thr228Ala)

Gene: EYA4 (EYA transcriptional coactivator and phosphatase 4; plus strand). Cytogenetic location: 6q23.2.
Variant type: single nucleotide variant.
Coding change: c.682A>G on transcript NM_004100.5 (MANE Select); coding-DNA position 682, A replaced by G.
Protein change: p.Thr228Ala; replaces threonine 228 with alanine.
Molecular consequence: missense variant.
Genome position (GRCh38, 1-based): chr6:133,462,722, A>G. VCF-style: chr6-133462722-A-G. GRCh37 (hg19) VCF-style: chr6-133783860-A-G.
Other names: c.520A>G, p.Thr174Ala (NM_001301012.2, NM_001370459.1); c.682A>G, p.Thr228Ala (NM_001301013.2, NM_172105.4); c.613A>G, p.Thr205Ala (NM_001370458.1, NM_172103.4); short protein forms T174A, T205A, T228A.
Identifiers: ClinVar variation 4738713 (VCV004738713.1).

ClinVar aggregate classification (germline): Uncertain significance (1 of 4 stars; one submission).

Conditions:
Dilated cardiomyopathy 1J (CMD1J). Also called: CARDIOMYOPATHY, DILATED, WITH SENSORINEURAL HEARING LOSS, AUTOSOMAL DOMINANT. Identifiers: Orphanet 217622, MedGen C1854368, MONDO:0011541, OMIM 605362.

Submission:

Labcorp Genetics (formerly Invitae), Labcorp
Classification: Uncertain significance for Dilated cardiomyopathy 1J. Last evaluated: 2025-07-02. Review status: criteria provided, single submitter. Criteria: Invitae Variant Classification Sherloc (09022015). Collection method: clinical testing. Allele origin: germline.
Comment: This sequence change replaces threonine, which is neutral and polar, with alanine, which is neutral and non-polar, at codon 228 of the EYA4 protein (p.Thr228Ala). This variant is not present in population databases (gnomAD no frequency). This variant has not been reported in the literature in individuals affected with EYA4-related conditions. Invitae Evidence Modeling of protein sequence and biophysical properties (such as structural, functional, and spatial information, amino acid conservation, physicochemical variation, residue mobility, and thermodynamic stability) indicates that this missense variant is not expected to disrupt EYA4 protein function with a negative predictive value of 80%. In summary, the available evidence is currently insufficient to determine the role of this variant in disease. Therefore, it has been classified as a Variant of Uncertain Significance.